The following is an entry in ClinVar:

ClinVar aggregate classification (germline): Benign/Likely benign. Review status: criteria provided, multiple submitters, no conflicts (2 of 4 stars). 15 submissions from 13 submitters: Benign (11); Likely benign (4). Last evaluated 2026-08-01.

Conditions:
Ehlers-Danlos syndrome, arthrochalasia type, 2. Also called: EHLERS-DANLOS SYNDROME, TYPE VIIB, AUTOSOMAL DOMINANT. Identifiers: MedGen CN293783, MONDO:0040501, OMIM 617821.
Osteogenesis imperfecta type I (OI1). Also called: Lobstein's Disease; Osteogenesis imperfecta type 1; Classic Non-deforming Osteogenesis Imperfecta with Blue Sclerae; OI, TYPE I; OSTEOGENESIS IMPERFECTA TARDA; OSTEOGENESIS IMPERFECTA WITH BLUE SCLERAE. Identifiers: Orphanet 216796, Orphanet 666, MedGen C0023931, MONDO:0008146, OMIM 166200. Disease mechanism: loss of function.
Ehlers-Danlos syndrome, classic type, 1 (EDSCL1). Also called: Ehlers-Danlos syndrome, type 1; EDS I; Ehlers-Danlos Syndrome, Classic Type, COL5A1-Related; EHLERS-DANLOS SYNDROME, GRAVIS TYPE; EHLERS-DANLOS SYNDROME, SEVERE CLASSIC TYPE. Identifiers: MedGen C0268335, MONDO:0019567, OMIM 130000.
Cardiovascular phenotype. Identifiers: MedGen CN230736.
Ehlers-Danlos syndrome (EDS). Identifiers: Orphanet 98249, MedGen C0013720, MONDO:0020066.
Osteogenesis imperfecta (OI). Identifiers: Orphanet 666, MedGen C0029434, MeSH D010013, MONDO:0019019.

Allele frequency attached by ClinVar (database versions not stated): 1000 Genomes Project 30x 0.00375; TOPMed 0.00555; ESP Exome Variant Server 0.00723; gnomAD exomes 0.00779 and 0.00864; gnomAD 0.00566 and 0.00574; ExAC 0.00841; 1000 Genomes Project 0.00319.
gnomAD v4.1: 13,516 of 1,614,104 alleles (0.84%); highest among the groups gnomAD compares: Middle Eastern, 1.6%; 69 homozygotes.

Submissions (15):

CeGaT Center for Human Genetics Tuebingen
Classification: Benign. Last evaluated: 2026-08-01. Review status: criteria provided, single submitter. Criteria: CeGaT Center For Human Genetics Tuebingen Variant Classification Criteria Version 2. Collection method: clinical testing. Allele origin: germline. Affected: yes. Observed: 28 variant alleles.
Comment: COL1A2: BP4, BP7, BS1, BS2

Labcorp Genetics (formerly Invitae), Labcorp
Classification: Benign for Osteogenesis imperfecta type I; Ehlers-Danlos syndrome, classic type, 1. Last evaluated: 2026-02-03. Review status: criteria provided, single submitter. Criteria: Invitae Variant Classification Sherloc (09022015). Collection method: clinical testing. Allele origin: germline.

ARUP Laboratories, Molecular Genetics and Genomics, ARUP Laboratories
Classification: Benign. Last evaluated: 2025-07-18. Review status: criteria provided, single submitter. Criteria: ARUP Molecular Germline Variant Investigation Process 2024. Collection method: clinical testing. Allele origin: germline.

Women's Health and Genetics/Laboratory Corporation of America, LabCorp
Classification: Benign. Last evaluated: 2024-12-06. Review status: criteria provided, single submitter. Criteria: LabCorp Variant Classification Summary - May 2015. Collection method: clinical testing. Allele origin: germline.

Blueprint Genetics
Classification: Likely benign. Last evaluated: 2024-11-27. Review status: criteria provided, single submitter. Criteria: ACMG Guidelines, 2015. Collection method: clinical testing. Allele origin: germline.

Mayo Clinic Laboratories, Mayo Clinic
Classification: Benign. Last evaluated: 2024-11-25. Review status: criteria provided, single submitter. Criteria: ACMG Guidelines, 2015. Collection method: clinical testing. Allele origin: germline. Observed: 91 variant alleles.
Comment: BS1, BS2, BP4, BP7

Genome Diagnostics Laboratory, The Hospital for Sick Children
Classification: Benign for Ehlers-Danlos syndrome. Last evaluated: 2022-07-07. Review status: criteria provided, single submitter. Criteria: ACMG Guidelines, 2015. Collection method: clinical testing. Allele origin: germline.

Genome Diagnostics Laboratory, The Hospital for Sick Children
Classification: Benign for Osteogenesis imperfecta. Last evaluated: 2021-08-20. Review status: criteria provided, single submitter. Criteria: ACMG Guidelines, 2015. Collection method: clinical testing. Allele origin: germline.

Ambry Genetics
Classification: Likely benign for Cardiovascular phenotype. Last evaluated: 2018-12-24. Review status: criteria provided, single submitter. Criteria: Ambry Variant Classification Scheme 2023. Collection method: clinical testing. Allele origin: germline.

Illumina Laboratory Services, Illumina
Classification: Benign for Osteogenesis imperfecta. Last evaluated: 2018-01-13. Review status: criteria provided, single submitter. Criteria: ICSL Variant Classification Criteria 13 December 2019. Collection method: clinical testing. Allele origin: germline.
Comment: This variant was observed in the ICSL laboratory as part of a predisposition screen in an ostensibly healthy population. It had not been previously curated by ICSL or reported in the Human Gene Mutation Database (HGMD: prior to June 1st, 2018), and was therefore a candidate for classification through an automated scoring system. Utilizing variant allele frequency, disease prevalence and penetrance estimates, and inheritance mode, an automated score was calculated to assess if this variant is too frequent to cause the disease. Based on the score and internal cut-off values, a variant classified as benign is not then subjected to further curation. The score for this variant resulted in a classification of benign for this disease.

Illumina Laboratory Services, Illumina
Classification: Benign for Ehlers-Danlos syndrome, arthrochalasia type, 2. Last evaluated: 2018-01-13. Review status: criteria provided, single submitter. Criteria: ICSL Variant Classification Criteria 13 December 2019. Collection method: clinical testing. Allele origin: germline.
Comment: the same text as in the submission from Illumina Laboratory Services, Illumina above.

GeneDx
Classification: Benign. Last evaluated: 2017-01-24. Review status: criteria provided, single submitter. Criteria: GeneDx Variant Classification (06012015). Collection method: clinical testing. Allele origin: germline. Affected: yes.
Comment: This variant is considered likely benign or benign based on one or more of the following criteria: it is a conservative change, it occurs at a poorly conserved position in the protein, it is predicted to be benign by multiple in silico algorithms, and/or has population frequency not consistent with disease.

Eurofins Ntd Llc (ga)
Classification: Benign. Last evaluated: 2015-08-05. Review status: criteria provided, single submitter. Criteria: EGL Classification Definitions 2015. Collection method: clinical testing. Allele origin: germline. Observed: 1 variant allele, 1 heterozygote.

Breakthrough Genomics
Classification: Likely benign. Review status: criteria provided, single submitter. Criteria: ACMG Guidelines, 2015. Collection method: not provided. Allele origin: germline. Inheritance: Autosomal recessive inheritance. Affected: yes.

PreventionGenetics, part of Exact Sciences
Classification: Likely benign. Review status: criteria provided, single submitter. Criteria: ACMG Guidelines, 2015. Collection method: clinical testing. Allele origin: germline.

NM_000089.4(COL1A2):c.948C>T (p.Gly316=)

Gene: COL1A2 (collagen type I alpha 2 chain; plus strand). Cytogenetic location: 7q21.3.
Variant type: single nucleotide variant.
Coding change: c.948C>T on transcript NM_000089.4 (MANE Select); coding-DNA position 948, C replaced by T.
Protein change: p.Gly316=; no amino-acid change (glycine 316 retained).
Molecular consequence: synonymous variant.
Genome position (GRCh38, 1-based): chr7:94,409,734, C>T. VCF-style: chr7-94409734-C-T. GRCh37 (hg19) VCF-style: chr7-94039046-C-T.
Other names: p.Gly316=.
Identifiers: ClinVar variation 35960 (VCV000035960.62), dbSNP rs34511999, ClinGen allele CA260395.